The following is an entry in ClinVar:

NM_002317.7(LOX):c.699G>T (p.Met233Ile)

Genes: LOX (lysyl oxidase; minus strand), SRFBP1 (serum response factor binding protein 1; plus strand). Cytogenetic location: 5q23.1.
Variant type: single nucleotide variant.
Coding change: c.699G>T on transcript NM_002317.7 (MANE Select); coding-DNA position 699, G replaced by T.
Protein change: p.Met233Ile; replaces methionine 233 with isoleucine.
Molecular consequence: missense variant. On other transcripts: intron variant (1).
Genome position (GRCh38, 1-based): chr5:122,076,934, C>A on the plus strand (G>T on the coding strand, the complement: LOX is on the minus strand). VCF-style: chr5-122076934-C-A. GRCh37 (hg19) VCF-style: chr5-121412629-C-A.
Other names: c.9G>T, p.Met3Ile (NM_001178102.2); c.-152+158G>T (NM_001317073.1); short protein forms M233I, M3I.
Identifiers: ClinVar variation 2707935 (VCV002707935.3), dbSNP rs2532914877, ClinGen allele CA360875008.
Genomic context (GRCh38, chr5:122,076,934, plus strand): 5'-CAGACATATCAGCCCGTACCTGGCCAGACAGTTTTCCTCCGCCGCGCATCTCAGGTTGTA[C>A]ATGGACATCTTCTGCACGTACGTGGACGCCTGGATGTAGTAGGGGTCGGCCACCAGGTCT-3'
Protein context (NP_002308.2, residues 223-243): QASTYVQKMS[Met233Ile]YNLRCAAEEN

ClinVar aggregate classification (germline): Uncertain significance (1 of 4 stars; one submission).

Submission:

Labcorp Genetics (formerly Invitae), Labcorp
Classification: Uncertain significance. Last evaluated: 2024-01-12. Review status: criteria provided, single submitter. Criteria: Invitae Variant Classification Sherloc (09022015). Collection method: clinical testing. Allele origin: germline.
Comment: This sequence change replaces methionine, which is neutral and non-polar, with isoleucine, which is neutral and non-polar, at codon 233 of the LOX protein (p.Met233Ile). This variant is not present in population databases (gnomAD no frequency). This variant has not been reported in the literature in individuals affected with LOX-related conditions. Advanced modeling of protein sequence and biophysical properties (such as structural, functional, and spatial information, amino acid conservation, physicochemical variation, residue mobility, and thermodynamic stability) performed at Invitae indicates that this missense variant is not expected to disrupt LOX protein function with a negative predictive value of 80%. In summary, the available evidence is currently insufficient to determine the role of this variant in disease. Therefore, it has been classified as a Variant of Uncertain Significance.